The following is an entry in ClinVar:

ClinVar aggregate classification (germline): Uncertain significance. Review status: criteria provided, multiple submitters, no conflicts (2 of 4 stars). 2 submissions from 2 submitters: Uncertain significance (2). Last evaluated 2024-03-07.

Conditions:
Cone-rod dystrophy 13 (CORD13). Identifiers: Orphanet 1872, MedGen C2750720, MONDO:0011987, OMIM 608194.
Leber congenital amaurosis 6 (LCA6). Identifiers: Orphanet 65, MedGen C1854260, MONDO:0013446, OMIM 613826.

Allele frequency attached by ClinVar (database versions not stated): gnomAD 0.00002; gnomAD exomes 0.00002; TOPMed 0.00004; ExAC 0.00005; ESP Exome Variant Server 0.00008.
gnomAD v4.1: 37 of 1,613,496 alleles (0.0023%); highest among the groups gnomAD compares: Middle Eastern, 0.016%; no homozygotes.

Submissions (2):

Blueprint Genetics
Classification: Uncertain significance. Last evaluated: 2024-03-07. Review status: criteria provided, single submitter. Criteria: ACMG Guidelines, 2015. Collection method: clinical testing. Allele origin: germline.

Labcorp Genetics (formerly Invitae), Labcorp
Classification: Uncertain significance for Leber congenital amaurosis 6; Cone-rod dystrophy 13. Last evaluated: 2022-05-03. Review status: criteria provided, single submitter. Criteria: Invitae Variant Classification Sherloc (09022015). Collection method: clinical testing. Allele origin: germline.
Comment: This sequence change replaces arginine, which is basic and polar, with cysteine, which is neutral and slightly polar, at codon 755 of the RPGRIP1 protein (p.Arg755Cys). This variant is present in population databases (rs376493676, gnomAD 0.02%). This variant has not been reported in the literature in individuals affected with RPGRIP1-related conditions. Algorithms developed to predict the effect of missense changes on protein structure and function output the following: SIFT: "Tolerated"; PolyPhen-2: "Benign"; Align-GVGD: "Class C0". The cysteine amino acid residue is found in multiple mammalian species, which suggests that this missense change does not adversely affect protein function. In summary, the available evidence is currently insufficient to determine the role of this variant in disease. Therefore, it has been classified as a Variant of Uncertain Significance.

NM_020366.4(RPGRIP1):c.2263C>T (p.Arg755Cys)

Gene: RPGRIP1 (RPGR interacting protein 1; plus strand). Cytogenetic location: 14q11.2.
Variant type: single nucleotide variant.
Coding change: c.2263C>T on transcript NM_020366.4 (MANE Select); coding-DNA position 2263, C replaced by T.
Protein change: p.Arg755Cys; replaces arginine 755 with cysteine.
Molecular consequence: missense variant. On other transcripts: intron variant (4).
Genome position (GRCh38, 1-based): chr14:21,325,279, C>T. VCF-style: chr14-21325279-C-T. GRCh37 (hg19) VCF-style: chr14-21793438-C-T.
Other names: c.1189C>T, p.Arg397Cys (NM_001377948.1); c.796+554C>T (NM_001377949.1); c.689-2344C>T (NM_001377523.1, NM_001377950.1); c.191-2344C>T (NM_001377951.1); short protein forms R755C, R397C.
Identifiers: ClinVar variation 1973656 (VCV001973656.3), dbSNP rs376493676, ClinGen allele CA7089202.